The following is an entry in ClinVar:

ClinVar aggregate classification (germline): Benign. Review status: criteria provided, single submitter (1 of 4 stars). 2 submissions from 2 submitters: Benign (1). 1 of the submissions does not count toward it. Last evaluated 2019-12-31.

Conditions:
TENM1-related disorder. Also called: TENM1-related condition.

Allele frequency attached by ClinVar (database versions not stated): gnomAD exomes 0.00082 and 0.00208; ExAC 0.00267; gnomAD 0.00751 and 0.00814; 1000 Genomes Project 0.00874; TOPMed 0.00932; ESP Exome Variant Server 0.00947; 1000 Genomes Project 30x 0.00957.
gnomAD v4.1: 1,792 of 1,209,047 alleles (0.15%); highest among the groups gnomAD compares: African/African-American, 2.7%; 23 homozygotes.

Submissions (2):

Labcorp Genetics (formerly Invitae), Labcorp
Classification: Benign. Last evaluated: 2019-12-31. Review status: criteria provided, single submitter. Criteria: Invitae Variant Classification Sherloc (09022015). Collection method: clinical testing. Allele origin: germline.

PreventionGenetics, part of Exact Sciences
Classification: Benign for TENM1-related condition. Last evaluated: 2019-11-26. Review status: no assertion criteria provided. Collection method: clinical testing. Allele origin: germline. Not counted in ClinVar's aggregate classification.
Comment: This variant is classified as benign based on ACMG/AMP sequence variant interpretation guidelines (Richards et al. 2015 PMID: 25741868, with internal and published modifications).

NM_001163278.2(TENM1):c.3177A>G (p.Thr1059=)

Gene: TENM1 (teneurin transmembrane protein 1; minus strand). Cytogenetic location: Xq25.
Variant type: single nucleotide variant.
Coding change: c.3177A>G on transcript NM_001163278.2 (MANE Select); coding-DNA position 3177, A replaced by G.
Protein change: p.Thr1059=; no amino-acid change (threonine 1059 retained).
Molecular consequence: synonymous variant.
Genome position (GRCh38, 1-based): chrX:124,520,641, T>C on the plus strand (A>G on the coding strand, the complement: TENM1 is on the minus strand). VCF-style: chrX-124520641-T-C. GRCh37 (hg19) VCF-style: chrX-123654491-T-C.
Other names: c.3174A>G, p.Thr1058= (NM_001163279.1); c.3177A>G, p.Thr1059= (NM_014253.3).
Identifiers: ClinVar variation 769184 (VCV000769184.7), dbSNP rs143849065, ClinGen allele CA10510004.